The following is an entry in ClinVar:

ClinVar aggregate classification (germline): Benign/Likely benign. Review status: criteria provided, multiple submitters, no conflicts (2 of 4 stars). 6 submissions from 6 submitters: Benign (2); Likely benign (3). 1 of the submissions does not count toward it. Last evaluated 2026-01-31.

Conditions:
Alport syndrome. Also called: Hemorrhagic familial nephritis; Hemorrhagic hereditary nephritis; Congenital hereditary hematuria. Identifiers: Orphanet 63, MedGen C1567741, MONDO:0018965.

Allele frequency attached by ClinVar (database versions not stated): gnomAD exomes 0.00064 and 0.00166; ExAC 0.00189; gnomAD 0.00580 and 0.00619; TOPMed 0.00653; ESP Exome Variant Server 0.00707; 1000 Genomes Project 0.00779; 1000 Genomes Project 30x 0.00921.
gnomAD v4.1: 1,842 of 1,613,988 alleles (0.11%); highest among the groups gnomAD compares: African/African-American, 2.1%; 20 homozygotes.

Submissions (6):

Labcorp Genetics (formerly Invitae), Labcorp
Classification: Benign. Last evaluated: 2026-01-31. Review status: criteria provided, single submitter. Criteria: Invitae Variant Classification Sherloc (09022015). Collection method: clinical testing. Allele origin: germline.

Blueprint Genetics
Classification: Likely benign. Last evaluated: 2024-11-26. Review status: criteria provided, single submitter. Criteria: ACMG Guidelines, 2015. Collection method: clinical testing. Allele origin: germline.

GeneDx
Classification: Benign. Last evaluated: 2018-09-02. Review status: criteria provided, single submitter. Criteria: GeneDx Variant Classification Process June 2021. Collection method: clinical testing. Allele origin: germline. Affected: yes.

Illumina Laboratory Services, Illumina
Classification: Likely benign for Alport syndrome. Last evaluated: 2018-01-12. Review status: criteria provided, single submitter. Criteria: ICSL Variant Classification Criteria 13 December 2019. Collection method: clinical testing. Allele origin: germline.
Comment: This variant was observed in the ICSL laboratory as part of a predisposition screen in an ostensibly healthy population. It had not been previously curated by ICSL or reported in the Human Gene Mutation Database (HGMD: prior to June 1st, 2018), and was therefore a candidate for classification through an automated scoring system. Utilizing variant allele frequency, disease prevalence and penetrance estimates, and inheritance mode, an automated score was calculated to assess if this variant is too frequent to cause the disease. Based on the score and internal cut-off values, a variant classified as likely benign is not then subjected to further curation. The score for this variant resulted in a classification of likely benign for this disease.

Breakthrough Genomics
Classification: Likely benign. Review status: criteria provided, single submitter. Criteria: ACMG Guidelines, 2015. Collection method: not provided. Allele origin: germline. Inheritance: Autosomal recessive inheritance. Affected: yes.

Natera, Inc.
Classification: Likely benign for Alport syndrome. Last evaluated: 2020-06-22. Review status: no assertion criteria provided. Collection method: clinical testing. Allele origin: germline. Not counted in ClinVar's aggregate classification.

NM_000092.5(COL4A4):c.3871C>G (p.Pro1291Ala)

Gene: COL4A4 (collagen type IV alpha 4 chain; minus strand). Cytogenetic location: 2q36.3.
Variant type: single nucleotide variant.
Coding change: c.3871C>G on transcript NM_000092.5 (MANE Select); coding-DNA position 3871, C replaced by G.
Protein change: p.Pro1291Ala; replaces proline 1291 with alanine.
Molecular consequence: missense variant.
Genome position (GRCh38, 1-based): chr2:227,030,545, G>C on the plus strand (C>G on the coding strand, the complement: COL4A4 is on the minus strand). VCF-style: chr2-227030545-G-C. GRCh37 (hg19) VCF-style: chr2-227895261-G-C.
Other names: short protein forms P1291A.
Identifiers: ClinVar variation 767863 (VCV000767863.19), dbSNP rs34728338, ClinGen allele CA2144392.
Genomic context (GRCh38, chr2:227,030,545, plus strand): 5'-ATCCTGGAGGGCCTGGTGGGCCAGGGGGACCTGGTGGCCCTGGTAGACCACAGTCACCTG[G>C]CTCCCCTCTCAGAAGGTCAACACTCCCAGGGAGGCCTGGAGGCCCAGGTGCTCCTGACCA-3'
Protein context (NP_000083.3, residues 1281-1301): PGSVDLLRGE[Pro1291Ala]GDCGLPGPPG